The following is an entry in ClinVar:

ClinVar aggregate classification (germline): Likely pathogenic (1 of 4 stars; one submission).

Conditions:
KDM2A-related neurodevelopmental disorder.

Submission:

Institute of Human Genetics, University of Leipzig Medical Center
Classification: Likely pathogenic for KDM2A-related neurodevelopmental disorder. Last evaluated: 2025-01-20. Review status: criteria provided, single submitter. Criteria: ACMG Guidelines, 2015. Collection method: research. Allele origin: de novo. Inheritance: Autosomal dominant inheritance. Affected: yes.
Comment: Criteria applied: PS2_MOD, PM2, PP2, PP3

Literature cited by the submitters: DOI 10.1101/2025.03.31.25324695.

NM_012308.3(KDM2A):c.1796G>C (p.Arg599Pro)

Gene: KDM2A (lysine demethylase 2A; plus strand). Cytogenetic location: 11q13.2.
Variant type: single nucleotide variant.
Coding change: c.1796G>C on transcript NM_012308.3 (MANE Select); coding-DNA position 1796, G replaced by C.
Protein change: p.Arg599Pro; replaces arginine 599 with proline.
Molecular consequence: missense variant. On other transcripts: non-coding transcript variant (1).
Genome position (GRCh38, 1-based): chr11:67,245,421, G>C. VCF-style: chr11-67245421-G-C. GRCh37 (hg19) VCF-style: chr11-67012892-G-C.
Other names: c.479G>C, p.Arg160Pro (NM_001256405.2); short protein forms R160P, R599P.
Identifiers: ClinVar variation 3778814 (VCV003778814.1).